The following is an entry in ClinVar:

ClinVar aggregate classification (germline): Uncertain significance. Review status: criteria provided, multiple submitters, no conflicts (2 of 4 stars). 2 submissions from 2 submitters: Uncertain significance (2). Last evaluated 2026-01-18.

Conditions:
Monocytopenia with susceptibility to infections. Also called: IMMUNODEFICIENCY 21; GATA2 DEFICIENCY; MONOCYTOPENIA AND MYCOBACTERIAL INFECTION SYNDROME; MONOCYTOPENIA WITH SUSCEPTIBILITY TO MYCOBACTERIAL, FUNGAL, AND PAPILLOMAVIRUS INFECTIONS AND MYELODYSPLASIA; COMBINED IMMUNODEFICIENCY WITH SUSCEPTIBILITY TO MYCOBACTERIAL, VIRAL, AND FUNGAL INFECTIONS; Dendritic cell, monocyte, B lymphocyte, and natural killer lymphocyte deficiency. Identifiers: Orphanet 228423, MedGen C3280030, MONDO:0013607, OMIM 614172.
Deafness-lymphedema-leukemia syndrome. Also called: Emberger syndrome; Lymphedema, primary, with myelodysplasia. Identifiers: Orphanet 3226, MedGen C3279664, MONDO:0013540, OMIM 614038.
Inborn genetic diseases. Identifiers: MedGen C0950123, MeSH D030342.

Allele frequency attached by ClinVar (database versions not stated): ExAC 0.00003.
gnomAD v4.1: 10 of 1,572,446 alleles (0.00064%); highest among the groups gnomAD compares: South Asian, 0.0035%; no homozygotes.

Submissions (2):

Labcorp Genetics (formerly Invitae), Labcorp
Classification: Uncertain significance for Monocytopenia with susceptibility to infections; Deafness-lymphedema-leukemia syndrome. Last evaluated: 2026-01-18. Review status: criteria provided, single submitter. Criteria: Invitae Variant Classification Sherloc (09022015). Collection method: clinical testing. Allele origin: germline.
Comment: This sequence change replaces glycine, which is neutral and non-polar, with valine, which is neutral and non-polar, at codon 146 of the GATA2 protein (p.Gly146Val). This variant is not present in population databases (gnomAD no frequency). This variant has not been reported in the literature in individuals affected with GATA2-related conditions. ClinVar contains an entry for this variant (Variation ID: 941785). Invitae Evidence Modeling of protein sequence and biophysical properties (such as structural, functional, and spatial information, amino acid conservation, physicochemical variation, residue mobility, and thermodynamic stability) indicates that this missense variant is not expected to disrupt GATA2 protein function with a negative predictive value of 95%. In summary, the available evidence is currently insufficient to determine the role of this variant in disease. Therefore, it has been classified as a Variant of Uncertain Significance.

Ambry Genetics
Classification: Uncertain significance for Inborn genetic diseases. Last evaluated: 2024-11-24. Review status: criteria provided, single submitter. Criteria: Ambry Variant Classification Scheme 2023. Collection method: clinical testing. Allele origin: germline.
Comment: The p.G146V variant (also known as c.437G>T), located in coding exon 2 of the GATA2 gene, results from a G to T substitution at nucleotide position 437. The glycine at codon 146 is replaced by valine, an amino acid with dissimilar properties. This amino acid position is conserved. In addition, the in silico prediction for this alteration is inconclusive. Based on the available evidence, the clinical significance of this variant remains unclear.

NM_032638.5(GATA2):c.437G>T (p.Gly146Val)

Gene: GATA2 (GATA binding protein 2; minus strand). Cytogenetic location: 3q21.3.
Variant type: single nucleotide variant.
Coding change: c.437G>T on transcript NM_032638.5 (MANE Select); coding-DNA position 437, G replaced by T.
Protein change: p.Gly146Val; replaces glycine 146 with valine.
Molecular consequence: missense variant.
Genome position (GRCh38, 1-based): chr3:128,486,161, C>A on the plus strand (G>T on the coding strand, the complement: GATA2 is on the minus strand). VCF-style: chr3-128486161-C-A. GRCh37 (hg19) VCF-style: chr3-128205004-C-A.
Other names: c.437G>T, p.Gly146Val (NM_001145661.2, NM_001145662.1); short protein forms G146V.
Identifiers: ClinVar variation 941785 (VCV000941785.10), dbSNP rs754645961, ClinGen allele CA2600029.
Genomic context (GRCh38, chr3:128,486,161, plus strand): 5'-GAGTGGGCTGCTGTAGGGGTGAGGGAGGCCACTGAGCTCCCGCTGCCTCCCCCGCTCCCA[C>A]CCCCAGCCCCTGGGTACACAGAGAGTGGGCCTCCAGGGCCTCCAGCAGCTGAGGGGTGCA-3'
Protein context (NP_116027.2, residues 136-156): GPLSVYPGAG[Gly146Val]GSGGGSGSSV